The following is an entry in ClinVar:

NM_001009944.3(PKD1):c.11939T>G (p.Val3980Gly)

Gene: PKD1 (polycystin 1, transient receptor potential channel interacting; minus strand). Cytogenetic location: 16p13.3.
Variant type: single nucleotide variant.
Coding change: c.11939T>G on transcript NM_001009944.3 (MANE Select); coding-DNA position 11939, T replaced by G.
Protein change: p.Val3980Gly; replaces valine 3980 with glycine.
Molecular consequence: missense variant.
Genome position (GRCh38, 1-based): chr16:2,090,948, A>C on the plus strand (T>G on the coding strand, the complement: PKD1 is on the minus strand). VCF-style: chr16-2090948-A-C. GRCh37 (hg19) VCF-style: chr16-2140949-A-C.
Other names: c.11936T>G, p.Val3979Gly (NM_000296.4); short protein forms V3979G, V3980G.
Identifiers: ClinVar variation 3236084 (VCV003236084.1), dbSNP rs2544597374, ClinGen allele CA394328928.
Genomic context (GRCh38, chr16:2,090,948, plus strand): 5'-ACCAAAAGCAGGAAGAGCAGCGAGGCCGCCAGGCCACGGGCTGCGGAGCTCAGCTGCGCC[A>C]CCTGGTCGAAGCTAGTGAAGCGGCGCGGGCGGCCGCGCACGAAACGGGTCCACTGGCGGT-3'
Protein context (NP_001009944.3, residues 3970-3990): RPRRFTSFDQ[Val3980Gly]AQLSSAARGL

ClinVar aggregate classification (germline): Uncertain significance (1 of 4 stars; one submission).

Conditions:
Polycystic kidney disease, adult type (PKD1). Also called: Polycystic Kidney Disease 1, Autosomal Dominant; Polycystic kidney disease 1; Polycystic kidney disease 1, severe; Polycystic Kidney, Autosomal Dominant; POLYCYSTIC KIDNEY DISEASE 1 WITH OR WITHOUT POLYCYSTIC LIVER DISEASE; POLYCYSTIC KIDNEY DISEASE, ADULT, TYPE I. Identifiers: MedGen C3149841, MONDO:0008263, OMIM 173900.

Submission:

MVZ Medizinische Genetik Mainz
Classification: Uncertain significance for Polycystic kidney disease, adult type. Last evaluated: 2023-11-22. Review status: criteria provided, single submitter. Criteria: UK Practice Guidelines For Variant Classification V4 01 2020. Collection method: clinical testing. Allele origin: germline. Inheritance: Autosomal dominant inheritance. Affected: yes. Observed: 1 variant allele.
Comment: ACMG Criteria: PM2_SUP,PP3,PP4